The following is an entry in ClinVar:

NM_000059.4(BRCA2):c.7582G>A (p.Gly2528Arg)

Gene: BRCA2 (BRCA2 DNA repair associated; plus strand). Cytogenetic location: 13q13.1.
Variant type: single nucleotide variant.
Coding change: c.7582G>A on transcript NM_000059.4 (MANE Select); coding-DNA position 7582, G replaced by A.
Protein change: p.Gly2528Arg; replaces glycine 2528 with arginine.
Molecular consequence: missense variant.
Genome position (GRCh38, 1-based): chr13:32,356,574, G>A. VCF-style: chr13-32356574-G-A. GRCh37 (hg19) VCF-style: chr13-32930711-G-A.
Other names: short protein forms G2528R.
Identifiers: ClinVar variation 959887 (VCV000959887.10), dbSNP rs2072699092, ClinGen allele CA387743837.
Genomic context (GRCh38, chr13:32,356,574, plus strand): 5'-GGCAGTCTGTATCTTGCAAAAACATCCACTCTGCCTCGAATCTCTCTGAAAGCAGCAGTA[G>A]GAGGCCAAGTTCCCTCTGCGTGTTCTCATAAACAGGTATGTGTTTGTCTACAATACTGAT-3'
Protein context (NP_000050.3, residues 2518-2538): LPRISLKAAV[Gly2528Arg]GQVPSACSHK

ClinVar aggregate classification (germline): Uncertain significance (1 of 4 stars; one submission).

Conditions:
Hereditary breast ovarian cancer syndrome. Also called: Hereditary breast and ovarian cancer; BRCA1- and BRCA2-Associated Hereditary Breast and Ovarian Cancer; Hereditary breast and/or ovarian cancer syndrome; Hereditary breast and ovarian cancer syndrome; Hereditary breast and ovarian cancer syndrome (HBOC); Breast and ovarian cancer. Identifiers: Orphanet 145, MedGen C0677776, MeSH D061325, MONDO:0003582. Disease mechanism: loss of function.

Submission:

Labcorp Genetics (formerly Invitae), Labcorp
Classification: Uncertain significance for Hereditary breast ovarian cancer syndrome. Last evaluated: 2019-10-28. Review status: criteria provided, single submitter. Criteria: Invitae Variant Classification Sherloc (09022015). Collection method: clinical testing. Allele origin: germline.
Comment: In summary, the available evidence is currently insufficient to determine the role of this variant in disease. Therefore, it has been classified as a Variant of Uncertain Significance. Algorithms developed to predict the effect of sequence changes on RNA splicing suggest that this variant may create or strengthen a splice site, but this prediction has not been confirmed by published transcriptional studies. Algorithms developed to predict the effect of missense changes on protein structure and function are either unavailable or do not agree on the potential impact of this missense change (SIFT: "Tolerated"; PolyPhen-2: "Possibly Damaging"; Align-GVGD: "Class C0"). This variant has not been reported in the literature in individuals with BRCA2-related conditions. This variant is not present in population databases (ExAC no frequency). This sequence change replaces glycine with arginine at codon 2528 of the BRCA2 protein (p.Gly2528Arg). The glycine residue is weakly conserved and there is a moderate physicochemical difference between glycine and arginine.